The following is an entry in ClinVar:

ClinVar aggregate classification (germline): Uncertain significance (1 of 4 stars; one submission).

Conditions:
Hereditary cancer-predisposing syndrome. Also called: Neoplastic Syndromes, Hereditary; Tumor predisposition; Hereditary Cancer Syndrome; Hereditary neoplastic syndrome. Identifiers: Orphanet 140162, MedGen C0027672, MeSH D009386, MONDO:0015356.

Submission:

Labcorp Genetics (formerly Invitae), Labcorp
Classification: Uncertain significance for Hereditary cancer-predisposing syndrome. Last evaluated: 2022-02-20. Review status: criteria provided, single submitter. Criteria: Invitae Variant Classification Sherloc (09022015). Collection method: clinical testing. Allele origin: germline.
Comment: This sequence change replaces lysine, which is basic and polar, with asparagine, which is neutral and polar, at codon 1145 of the RAD50 protein (p.Lys1145Asn). In summary, the available evidence is currently insufficient to determine the role of this variant in disease. Therefore, it has been classified as a Variant of Uncertain Significance. Algorithms developed to predict the effect of missense changes on protein structure and function are either unavailable or do not agree on the potential impact of this missense change (SIFT: "Tolerated"; PolyPhen-2: "Probably Damaging"; Align-GVGD: "Class C0"). ClinVar contains an entry for this variant (Variation ID: 650741). This variant has not been reported in the literature in individuals affected with RAD50-related conditions. This variant is not present in population databases (gnomAD no frequency).

NM_005732.4(RAD50):c.3435A>C (p.Lys1145Asn)

Genes: TH2LCRR (T helper type 2 locus control region associated RNA; minus strand), TH2-LCR (Th2 cytokine locus control region; plus strand), RAD50 (RAD50 double strand break repair protein; plus strand). Cytogenetic location: 5q31.1.
Variant type: single nucleotide variant.
Coding change: c.3435A>C on transcript NM_005732.4 (MANE Select); coding-DNA position 3435, A replaced by C.
Protein change: p.Lys1145Asn; replaces lysine 1145 with asparagine.
Molecular consequence: missense variant.
Genome position (GRCh38, 1-based): chr5:132,637,160, A>C. VCF-style: chr5-132637160-A-C. GRCh37 (hg19) VCF-style: chr5-131972852-A-C.
Other names: short protein forms K1145N.
Identifiers: ClinVar variation 650741 (VCV000650741.9), dbSNP rs1581020200, ClinGen allele CA360930214.